The following is an entry in ClinVar:

NM_004484.4(GPC3):c.1286T>C (p.Val429Ala)

Gene: GPC3 (glypican 3; minus strand). Cytogenetic location: Xq26.2.
Variant type: single nucleotide variant.
Coding change: c.1286T>C on transcript NM_004484.4 (MANE Select); coding-DNA position 1286, T replaced by C.
Protein change: p.Val429Ala; replaces valine 429 with alanine.
Molecular consequence: missense variant.
Genome position (GRCh38, 1-based): chrX:133,692,375, A>G on the plus strand (T>C on the coding strand, the complement: GPC3 is on the minus strand). VCF-style: chrX-133692375-A-G. GRCh37 (hg19) VCF-style: chrX-132826403-A-G.
Other names: c.1355T>C, p.Val452Ala (NM_001164617.2); c.1238T>C, p.Val413Ala (NM_001164618.2); c.1124T>C, p.Val375Ala (NM_001164619.2); short protein forms V375A, V429A, V452A, V413A.
Identifiers: ClinVar variation 966013 (VCV000966013.11), dbSNP rs755117392, ClinGen allele CA335977259.

ClinVar aggregate classification (germline): Uncertain significance. Review status: criteria provided, multiple submitters, no conflicts (2 of 4 stars). 2 submissions from 2 submitters: Uncertain significance (2). Last evaluated 2025-03-22.

Conditions:
Inborn genetic diseases. Identifiers: MedGen C0950123, MeSH D030342.
Wilms tumor 1 (WT1). Also called: Wilms tumor, somatic. Identifiers: Orphanet 654, MedGen CN033288, MONDO:0008679, OMIM 194070.

Allele frequency attached by ClinVar (database versions not stated): gnomAD exomes below 0.00001; TOPMed 0.00001.
gnomAD v4.1: 1 of 1,211,363 alleles (0.000083%); highest among the groups gnomAD compares: Non-Finnish European, 0.00011%; no homozygotes.

Submissions (2):

Ambry Genetics
Classification: Uncertain significance for Inborn genetic diseases. Last evaluated: 2025-03-22. Review status: criteria provided, single submitter. Criteria: Ambry Variant Classification Scheme 2023. Collection method: clinical testing. Allele origin: germline.

Labcorp Genetics (formerly Invitae), Labcorp
Classification: Uncertain significance for Wilms tumor 1. Last evaluated: 2024-10-24. Review status: criteria provided, single submitter. Criteria: Invitae Variant Classification Sherloc (09022015). Collection method: clinical testing. Allele origin: germline.
Comment: This sequence change replaces valine, which is neutral and non-polar, with alanine, which is neutral and non-polar, at codon 429 of the GPC3 protein (p.Val429Ala). This variant is not present in population databases (gnomAD no frequency). This variant has not been reported in the literature in individuals affected with GPC3-related conditions. ClinVar contains an entry for this variant (Variation ID: 966013). Invitae Evidence Modeling of protein sequence and biophysical properties (such as structural, functional, and spatial information, amino acid conservation, physicochemical variation, residue mobility, and thermodynamic stability) has been performed for this missense variant. However, the output from this modeling did not meet the statistical confidence thresholds required to predict the impact of this variant on GPC3 protein function. In summary, the available evidence is currently insufficient to determine the role of this variant in disease. Therefore, it has been classified as a Variant of Uncertain Significance.